The following is an entry in ClinVar:

ClinVar aggregate classification (germline): Benign (1 of 4 stars; one submission).

Conditions:
Breast-ovarian cancer, familial, susceptibility to, 4. Identifiers: Orphanet 145, MedGen C3280345, MONDO:0013669, OMIM 614291.

gnomAD v4.1: 1 of 1,614,182 alleles (0.000062%); highest among the groups gnomAD compares: Non-Finnish European, 0.000085%; no homozygotes.

Submission:

Myriad Genetics, Inc.
Classification: Benign for Breast-ovarian cancer, familial, susceptibility to, 4. Last evaluated: 2025-02-20. Review status: criteria provided, single submitter. Criteria: Myriad Autosomal Dominant, Autosomal Recessive and X-Linked Classification Criteria (2023). Collection method: clinical testing. Allele origin: unknown.
Comment: This variant is considered benign. This variant is a silent/synonymous amino acid change and it is not expected to impact splicing.

NM_002878.4(RAD51D):c.231C>T (p.Thr77=)

Genes: RAD51D (RAD51 paralog D; minus strand), RAD51L3-RFFL (RAD51L3-RFFL readthrough; minus strand). Cytogenetic location: 17q12.
Variant type: single nucleotide variant.
Coding change: c.231C>T on transcript NM_002878.4 (MANE Select); coding-DNA position 231, C replaced by T.
Protein change: p.Thr77=; no amino-acid change (threonine 77 retained).
Molecular consequence: synonymous variant. On other transcripts: intron variant (2).
Genome position (GRCh38, 1-based): chr17:35,118,533, G>A on the plus strand (C>T on the coding strand, the complement: RAD51D is on the minus strand). VCF-style: chr17-35118533-G-A. GRCh37 (hg19) VCF-style: chr17-33445552-G-A.
Other names: c.144+578C>T (NM_133629.3, NM_001142571.2).
Identifiers: ClinVar variation 3904020 (VCV003904020.1).